The following is an entry in ClinVar:

NM_000135.4(FANCA):c.1047G>A (p.Ala349=)

Gene: FANCA (FA complementation group A; minus strand). Cytogenetic location: 16q24.3.
Variant type: single nucleotide variant.
Coding change: c.1047G>A on transcript NM_000135.4 (MANE Select); coding-DNA position 1047, G replaced by A.
Protein change: p.Ala349=; no amino-acid change (alanine 349 retained).
Molecular consequence: synonymous variant.
Genome position (GRCh38, 1-based): chr16:89,792,507, C>T on the plus strand (G>A on the coding strand, the complement: FANCA is on the minus strand). VCF-style: chr16-89792507-C-T. GRCh37 (hg19) VCF-style: chr16-89858915-C-T.
Other names: c.1047G>A (LRG_495t1); c.1047G>A, p.Ala349= (NM_001286167.3).
Identifiers: ClinVar variation 526485 (VCV000526485.20), dbSNP rs144900606, ClinGen allele CA8252552.

ClinVar aggregate classification (germline): Benign/Likely benign. Review status: criteria provided, multiple submitters, no conflicts (2 of 4 stars). 8 submissions from 8 submitters: Benign (1); Likely benign (6). 1 of the submissions does not count toward it. Last evaluated 2025-12-03.

Conditions:
Inborn genetic diseases. Identifiers: MedGen C0950123, MeSH D030342.
Fanconi anemia complementation group A (FANCA). Also called: Fanconi anemia, group A; FANCA-Related Fanconi Anemia. Identifiers: Orphanet 84, MedGen C3469521, MONDO:0009215, OMIM 227650.
FANCA-related disorder. Also called: FANCA-related condition.
Fanconi anemia (FA). Also called: Fanconi's anemia. Identifiers: Orphanet 84, MedGen C0015625, MeSH D005199, MONDO:0019391.

Allele frequency attached by ClinVar (database versions not stated): gnomAD exomes 0.00020; ExAC 0.00025; gnomAD 0.00048 and 0.00053; TOPMed 0.00056; ESP Exome Variant Server 0.00092.

Submissions (8):

Labcorp Genetics (formerly Invitae), Labcorp
Classification: Benign for Fanconi anemia. Last evaluated: 2025-12-03. Review status: criteria provided, single submitter. Criteria: Invitae Variant Classification Sherloc (09022015). Collection method: clinical testing. Allele origin: germline.

Ambry Genetics
Classification: Likely benign for Inborn genetic diseases. Last evaluated: 2024-10-05. Review status: criteria provided, single submitter. Criteria: Ambry Variant Classification Scheme 2023. Collection method: clinical testing. Allele origin: germline.

Blueprint Genetics
Classification: Likely benign. Last evaluated: 2024-05-03. Review status: criteria provided, single submitter. Criteria: ACMG Guidelines, 2015. Collection method: clinical testing. Allele origin: germline.

Fulgent Genetics
Classification: Likely benign for Fanconi anemia complementation group A. Last evaluated: 2022-01-07. Review status: criteria provided, single submitter. Criteria: ACMG Guidelines, 2015. Collection method: clinical testing. Allele origin: unknown.

Sema4
Classification: Likely benign for Fanconi anemia. Last evaluated: 2021-10-07. Review status: criteria provided, single submitter. Criteria: Sema4 Curation Guidelines. Collection method: curation. Allele origin: germline.

CeGaT Center for Human Genetics Tuebingen
Classification: Likely benign. Last evaluated: 2018-09-30. Review status: criteria provided, single submitter. Criteria: Praxis fuer Humangenetik Tuebingen - Variant Classification Criteria. Collection method: clinical testing. Allele origin: germline. Affected: yes. Observed: 1 variant allele.

Breakthrough Genomics
Classification: Likely benign. Review status: criteria provided, single submitter. Criteria: ACMG Guidelines, 2015. Collection method: not provided. Allele origin: germline. Inheritance: Autosomal recessive inheritance. Affected: yes.

PreventionGenetics, part of Exact Sciences
Classification: Likely benign for FANCA-related condition. Last evaluated: 2022-08-24. Review status: no assertion criteria provided. Collection method: clinical testing. Allele origin: germline. Not counted in ClinVar's aggregate classification.
Comment: This variant is classified as likely benign based on ACMG/AMP sequence variant interpretation guidelines (Richards et al. 2015 PMID: 25741868, with internal and published modifications).